The following is an entry in ClinVar:

NM_002161.6(IARS1):c.1923A>G (p.Lys641=)

Gene: IARS1 (isoleucyl-tRNA synthetase 1; minus strand). Cytogenetic location: 9q22.31.
Variant type: single nucleotide variant.
Coding change: c.1923A>G on transcript NM_002161.6 (MANE Select); coding-DNA position 1923, A replaced by G.
Protein change: p.Lys641=; no amino-acid change (lysine 641 retained).
Molecular consequence: synonymous variant. On other transcripts: non-coding transcript variant (1).
Genome position (GRCh38, 1-based): chr9:92,258,947, T>C on the plus strand (A>G on the coding strand, the complement: IARS1 is on the minus strand). VCF-style: chr9-92258947-T-C. GRCh37 (hg19) VCF-style: chr9-95021229-T-C.
Other names: c.1923A>G, p.Lys641= (NM_001374299.1, NM_001374300.1, NM_001378572.1 and 13 more transcripts); c.1839A>G, p.Lys613= (NM_001374301.1); c.1986A>G, p.Lys662= (NM_001378569.1); c.1944A>G, p.Lys648= (NM_001378571.1); c.1800A>G, p.Lys600= (NM_001378583.1).
Identifiers: ClinVar variation 4821834 (VCV004821834.4).

ClinVar aggregate classification (germline): Likely benign (1 of 4 stars; one submission).

gnomAD v4.1: 3 of 1,613,844 alleles (0.00019%); highest among the groups gnomAD compares: Admixed American, 0.0033%; no homozygotes.

Submission:

CeGaT Center for Human Genetics Tuebingen
Classification: Likely benign. Last evaluated: 2026-03-01. Review status: criteria provided, single submitter. Criteria: CeGaT Center For Human Genetics Tuebingen Variant Classification Criteria Version 2. Collection method: clinical testing. Allele origin: germline. Affected: yes. Observed: 1 variant allele.
Comment: IARS1: BP4, BP7